The following is an entry in ClinVar:

ClinVar aggregate classification (germline): Uncertain significance (0 of 4 stars; one submission).

Conditions:
PIEZO1-related disorder. Also called: PIEZO1-related condition; PIEZO1-Related Disorders.

Allele frequency attached by ClinVar (database versions not stated): gnomAD 0.00003; TOPMed 0.00003.
gnomAD v4.1: 87 of 1,550,152 alleles (0.0056%); highest among the groups gnomAD compares: Non-Finnish European, 0.0066%; no homozygotes.

Submission:

PreventionGenetics, part of Exact Sciences
Classification: Uncertain significance for PIEZO1-related condition. Last evaluated: 2023-12-15. Review status: no assertion criteria provided. Collection method: clinical testing. Allele origin: germline.
Comment: The PIEZO1 c.7391A>G variant is predicted to result in the amino acid substitution p.His2464Arg. To our knowledge, this variant has not been reported in the literature. This variant is reported in 0.0026% of alleles in individuals of European (Non-Finnish) descent in gnomAD. At this time, the clinical significance of this variant is uncertain due to the absence of conclusive functional and genetic evidence.

NM_001142864.4(PIEZO1):c.7391A>G (p.His2464Arg)

Gene: PIEZO1 (piezo type mechanosensitive ion channel component 1 (Er blood group); minus strand). Cytogenetic location: 16q24.3.
Variant type: single nucleotide variant.
Coding change: c.7391A>G on transcript NM_001142864.4 (MANE Select); coding-DNA position 7391, A replaced by G.
Protein change: p.His2464Arg; replaces histidine 2464 with arginine.
Molecular consequence: missense variant.
Genome position (GRCh38, 1-based): chr16:88,715,780, T>C on the plus strand (A>G on the coding strand, the complement: PIEZO1 is on the minus strand). VCF-style: chr16-88715780-T-C. GRCh37 (hg19) VCF-style: chr16-88782188-T-C.
Other names: c.5933A>G, p.His1978Arg (NM_014745.1); short protein forms H1978R, H2464R.
Identifiers: ClinVar variation 3034885 (VCV003034885.2), dbSNP rs1302534959, ClinGen allele CA397071303.